The following is an entry in ClinVar:

ClinVar aggregate classification (germline): Uncertain significance (1 of 4 stars; one submission).

Conditions:
Inborn genetic diseases. Identifiers: MedGen C0950123, MeSH D030342.

Submission:

Ambry Genetics
Classification: Uncertain significance for Inborn genetic diseases. Last evaluated: 2026-01-06. Review status: criteria provided, single submitter. Criteria: Ambry Variant Classification Scheme 2023. Collection method: clinical testing. Allele origin: germline.
Comment: The p.E44V variant (also known as c.131A>T), located in coding exon 2 of the ETV6 gene, results from an A to T substitution at nucleotide position 131. The glutamic acid at codon 44 is replaced by valine, an amino acid with dissimilar properties. This amino acid position is conserved. In addition, the in silico prediction for this alteration is inconclusive. Based on the available evidence, the clinical significance of this variant remains unclear.

NM_001987.5(ETV6):c.131A>T (p.Glu44Val)

Gene: ETV6 (ETS variant transcription factor 6; plus strand). Cytogenetic location: 12p13.2.
Variant type: single nucleotide variant.
Coding change: c.131A>T on transcript NM_001987.5 (MANE Select); coding-DNA position 131, A replaced by T.
Protein change: p.Glu44Val; replaces glutamic acid 44 with valine.
Molecular consequence: missense variant. On other transcripts: intron variant (1).
Genome position (GRCh38, 1-based): chr12:11,752,547, A>T. VCF-style: chr12-11752547-A-T. GRCh37 (hg19) VCF-style: chr12-11905481-A-T.
Other names: c.128A>T, p.Glu43Val (NM_001413913.1); c.104A>T, p.Glu35Val (NM_001413914.1); c.131A>T, p.Glu44Val (NM_001413916.1, NM_001413917.1, NM_001413918.1); c.-101-86593A>T (NM_001413915.1); short protein forms E35V, E43V, E44V.
Identifiers: ClinVar variation 4842526 (VCV004842526.1).
Genomic context (GRCh38, chr12:11,752,547, plus strand): 5'-TGCCGAGTTACGCTTCCTCGACGCCACTTCATGTTCCAGTGCCTCGAGCGCTCAGGATGG[A>T]GGAAGACTCGATCCGCCTGCCTGCGCACCTGCGTGAGTGTTCGTGACCCGAGAGGGACAG-3'
Protein context (NP_001978.1, residues 34-54): HVPVPRALRM[Glu44Val]EDSIRLPAHL